The following is an entry in ClinVar:

ClinVar aggregate classification (germline): Uncertain significance. Review status: criteria provided, multiple submitters, no conflicts (2 of 4 stars). 2 submissions from 2 submitters: Uncertain significance (2). Last evaluated 2025-07-16.

Conditions:
Hypertrophic cardiomyopathy. Also called: HYPERTROPHIC MYOCARDIOPATHY. Identifiers: Orphanet 217569, MedGen C0007194, MeSH D002312, MONDO:0005045, HP:0001639.

Submissions (2):

Labcorp Genetics (formerly Invitae), Labcorp
Classification: Uncertain significance for Hypertrophic cardiomyopathy. Last evaluated: 2025-07-16. Review status: criteria provided, single submitter. Criteria: Invitae Variant Classification Sherloc (09022015). Collection method: clinical testing. Allele origin: germline.
Comment: This sequence change replaces alanine, which is neutral and non-polar, with valine, which is neutral and non-polar, at codon 625 of the MYH7 protein (p.Ala625Val). This variant is not present in population databases (gnomAD no frequency). This missense change has been observed in individual(s) with dilated cardiomyopathy (internal data). ClinVar contains an entry for this variant (Variation ID: 181411). Invitae Evidence Modeling of protein sequence and biophysical properties (such as structural, functional, and spatial information, amino acid conservation, physicochemical variation, residue mobility, and thermodynamic stability) has been performed for this missense variant. However, the output from this modeling did not meet the statistical confidence thresholds required to predict the impact of this variant on MYH7 protein function. In summary, the available evidence is currently insufficient to determine the role of this variant in disease. Therefore, it has been classified as a Variant of Uncertain Significance.

GeneDx
Classification: Uncertain significance. Last evaluated: 2011-08-12. Review status: criteria provided, single submitter. Criteria: GeneDx Variant Classification (06012015). Collection method: clinical testing. Allele origin: germline. Affected: yes.
Comment: This variant is denoted Ala625Val (aka A625V) at the protein level and c.1874 C>T at the cDNA level. The Ala625Val variant in the MYH7 gene has not been reported previously as a disease-causing mutation nor as a benign polymorphism, to our knowledge. Although a mutation in a nearby codon (Tyr624Asn) has been reported in association with cardiomyopathy, Ala625Val is a conservative substitution of one non-polar residue for another. The Alanine at position 625 is not well conserved across species and in silico analysis predicts Ala625Val likely has a benign effect on the protein. Data from ethnically-matched controls is not available to evaluate for a population-specific benign variant. In summary, with the clinical and molecular information available at this time, we cannot unequivocally determine the clinical significance of the Ala625Val variant in the MYH7 gene at this time. The variant is found in DCM panel(s).

NM_000257.4(MYH7):c.1874C>T (p.Ala625Val)

Gene: MYH7 (myosin heavy chain 7; minus strand). Cytogenetic location: 14q11.2.
Variant type: single nucleotide variant.
Coding change: c.1874C>T on transcript NM_000257.4 (MANE Select); coding-DNA position 1874, C replaced by T.
Protein change: p.Ala625Val; replaces alanine 625 with valine.
Molecular consequence: missense variant.
Genome position (GRCh38, 1-based): chr14:23,427,599, G>A on the plus strand (C>T on the coding strand, the complement: MYH7 is on the minus strand). VCF-style: chr14-23427599-G-A. GRCh37 (hg19) VCF-style: chr14-23896808-G-A.
Other names: p.A625V:GCT>GTT; c.1874C>T (LRG_384t1); short protein forms A625V.
Identifiers: ClinVar variation 181411 (VCV000181411.5), dbSNP rs730880932, ClinGen allele CA011371.